The following is an entry in ClinVar:

NM_001394062.1(MACF1):c.22136C>T (p.Pro7379Leu)

Gene: MACF1 (microtubule actin crosslinking factor 1; plus strand). Cytogenetic location: 1p34.3.
Variant type: single nucleotide variant.
Coding change: c.22136C>T on transcript NM_001394062.1 (MANE Select); coding-DNA position 22136, C replaced by T.
Protein change: p.Pro7379Leu; replaces proline 7379 with leucine.
Molecular consequence: missense variant.
Genome position (GRCh38, 1-based): chr1:39,479,975, C>T. VCF-style: chr1-39479975-C-T. GRCh37 (hg19) VCF-style: chr1-39945647-C-T.
Other names: c.10127C>T, p.Pro3376Leu (NM_001397473.1); c.15872C>T, p.Pro5291Leu (NM_012090.5); short protein forms P3376L, P5291L, P7379L.
Identifiers: ClinVar variation 4528095 (VCV004528095.1).

ClinVar aggregate classification (germline): Uncertain significance (1 of 4 stars; one submission).

Submission:

GeneDx
Classification: Uncertain significance. Last evaluated: 2025-05-08. Review status: criteria provided, single submitter. Criteria: GeneDx Variant Classification Process June 2021. Collection method: clinical testing. Allele origin: germline. Affected: yes.
Comment: Not observed at significant frequency in large population cohorts (gnomAD); In silico analysis supports that this missense variant has a deleterious effect on protein structure/function; Has not been previously published as pathogenic or benign to our knowledge